The following is an entry in ClinVar:

NM_004525.3(LRP2):c.3763G>C (p.Asp1255His)

Gene: LRP2 (LDL receptor related protein 2; minus strand). Cytogenetic location: 2q31.1.
Variant type: single nucleotide variant.
Coding change: c.3763G>C on transcript NM_004525.3 (MANE Select); coding-DNA position 3763, G replaced by C.
Protein change: p.Asp1255His; replaces aspartic acid 1255 with histidine.
Molecular consequence: missense variant.
Genome position (GRCh38, 1-based): chr2:169,241,270, C>G on the plus strand (G>C on the coding strand, the complement: LRP2 is on the minus strand). VCF-style: chr2-169241270-C-G. GRCh37 (hg19) VCF-style: chr2-170097780-C-G.
Other names: c.3763G>C (NM_004525.2); short protein forms D1255H.
Identifiers: ClinVar variation 1432336 (VCV001432336.6), dbSNP rs780602749, ClinGen allele CA1954941.

ClinVar aggregate classification (germline): Uncertain significance. Review status: criteria provided, multiple submitters, no conflicts (2 of 4 stars). 2 submissions from 2 submitters: Uncertain significance (2). Last evaluated 2025-12-10.

Conditions:
Inborn genetic diseases. Identifiers: MedGen C0950123, MeSH D030342.

Allele frequency attached by ClinVar (database versions not stated): ExAC 0.00001; gnomAD exomes 0.00002; TOPMed 0.00003; gnomAD 0.00003.
gnomAD v4.1: 12 of 1,614,074 alleles (0.00074%); highest among the groups gnomAD compares: Admixed American, 0.015%; no homozygotes.

Submissions (2):

Ambry Genetics
Classification: Uncertain significance for Inborn genetic diseases. Last evaluated: 2025-12-10. Review status: criteria provided, single submitter. Criteria: Ambry Variant Classification Scheme 2023. Collection method: clinical testing. Allele origin: germline.

Labcorp Genetics (formerly Invitae), Labcorp
Classification: Uncertain significance. Last evaluated: 2022-03-16. Review status: criteria provided, single submitter. Criteria: Invitae Variant Classification Sherloc (09022015). Collection method: clinical testing. Allele origin: germline.
Comment: This sequence change replaces aspartic acid, which is acidic and polar, with histidine, which is basic and polar, at codon 1255 of the LRP2 protein (p.Asp1255His). This variant is present in population databases (rs780602749, gnomAD 0.01%). This variant has not been reported in the literature in individuals affected with LRP2-related conditions. Advanced modeling of protein sequence and biophysical properties (such as structural, functional, and spatial information, amino acid conservation, physicochemical variation, residue mobility, and thermodynamic stability) performed at Invitae indicates that this missense variant is expected to disrupt LRP2 protein function. In summary, the available evidence is currently insufficient to determine the role of this variant in disease. Therefore, it has been classified as a Variant of Uncertain Significance.